The following is an entry in ClinVar:

ClinVar aggregate classification (germline): Uncertain significance. Review status: criteria provided, multiple submitters, no conflicts (2 of 4 stars). 2 submissions from 2 submitters: Uncertain significance (2). Last evaluated 2024-12-20.

Conditions:
Hereditary spherocytosis type 5. Also called: EPB42-Related Spherocytosis; EPB42-Related Hereditary Spherocytosis. Identifiers: Orphanet 822, MedGen C2675192, MONDO:0012985, OMIM 612690.

Allele frequency attached by ClinVar (database versions not stated): TOPMed 0.00002.
gnomAD v4.1: 58 of 1,613,470 alleles (0.0036%); highest among the groups gnomAD compares: Non-Finnish European, 0.0047%; no homozygotes.

Submissions (2):

ARUP Laboratories, Molecular Genetics and Genomics, ARUP Laboratories
Classification: Uncertain significance for Hereditary spherocytosis type 5. Last evaluated: 2024-12-20. Review status: criteria provided, single submitter. Criteria: ARUP Molecular Germline Variant Investigation Process 2024. Collection method: clinical testing. Allele origin: germline.
Comment: The EPB42 c.791A>G; p.Gln264Arg variant (rs775072758), to our knowledge, is not reported in the medical literature but is reported in ClinVar (Variation ID: 1896245). This variant is only observed on seven alleles in the Genome Aggregation Database (v2.1.1), indicating it is not a common polymorphism. Computational analyses predict that this variant is neutral (REVEL: 0.01). Due to limited information, the clinical significance of this variant is uncertain at this time.

Labcorp Genetics (formerly Invitae), Labcorp
Classification: Uncertain significance. Last evaluated: 2022-05-11. Review status: criteria provided, single submitter. Criteria: Invitae Variant Classification Sherloc (09022015). Collection method: clinical testing. Allele origin: germline.
Comment: In summary, the available evidence is currently insufficient to determine the role of this variant in disease. Therefore, it has been classified as a Variant of Uncertain Significance. Advanced modeling of protein sequence and biophysical properties (such as structural, functional, and spatial information, amino acid conservation, physicochemical variation, residue mobility, and thermodynamic stability) performed at Invitae indicates that this missense variant is not expected to disrupt EPB42 protein function. This variant has not been reported in the literature in individuals affected with EPB42-related conditions. This variant is present in population databases (rs775072758, gnomAD 0.006%). This sequence change replaces glutamine, which is neutral and polar, with arginine, which is basic and polar, at codon 264 of the EPB42 protein (p.Gln264Arg).

NM_001114134.2(EPB42):c.701A>G (p.Gln234Arg)

Gene: EPB42 (erythrocyte membrane protein band 4.2; minus strand). Cytogenetic location: 15q15.2.
Variant type: single nucleotide variant.
Coding change: c.701A>G on transcript NM_001114134.2 (MANE Select); coding-DNA position 701, A replaced by G.
Protein change: p.Gln234Arg; replaces glutamine 234 with arginine.
Molecular consequence: missense variant.
Genome position (GRCh38, 1-based): chr15:43,209,405, T>C on the plus strand (A>G on the coding strand, the complement: EPB42 is on the minus strand). VCF-style: chr15-43209405-T-C. GRCh37 (hg19) VCF-style: chr15-43501603-T-C.
Other names: c.791A>G, p.Gln264Arg (NM_000119.3); short protein forms Q234R, Q264R.
Identifiers: ClinVar variation 1896245 (VCV001896245.6), dbSNP rs775072758, ClinGen allele CA7520536.
Genomic context (GRCh38, chr15:43,209,405, plus strand): 5'-TGCCGCAGGATGGGCACGCTGCCCCGGCGCTTGTTCAGCAAGGCCCCTTCCTGGGTGGCC[T>C]GGGTCTGCGGGGTGGGCAGGACCCTCTGCTCCTTGAGAAAATGCAGCTGTTTGGGGAAAT-3'
Protein context (NP_001107606.1, residues 224-244): EQRVLPTPQT[Gln234Arg]ATQEGALLNK